The following is an entry in ClinVar:

ClinVar aggregate classification (germline): Uncertain significance. Review status: criteria provided, multiple submitters, no conflicts (2 of 4 stars). 3 submissions from 3 submitters: Uncertain significance (3). Last evaluated 2025-03-23.

Conditions:
Myofibrillar myopathy 5. Also called: Filaminopathy (type); FILAMINOPATHY, AUTOSOMAL DOMINANT. Identifiers: Orphanet 171445, MedGen C1836050, MONDO:0012289, OMIM 609524.
Distal myopathy with posterior leg and anterior hand involvement. Also called: WILLIAMS DISTAL MYOPATHY. Identifiers: Orphanet 63273, MedGen C3279722, MONDO:0013550, OMIM 614065.
Hypertrophic cardiomyopathy 26. Also called: Cardiomyopathy, familial hypertrophic, 26. Identifiers: Orphanet 75249, MedGen C4310749, MONDO:0014883, OMIM 617047.
Cardiovascular phenotype. Identifiers: MedGen CN230736.

Allele frequency attached by ClinVar (database versions not stated): gnomAD exomes below 0.00001.

Submissions (3):

Ambry Genetics
Classification: Uncertain significance for Cardiovascular phenotype. Last evaluated: 2025-03-23. Review status: criteria provided, single submitter. Criteria: Ambry Variant Classification Scheme 2023. Collection method: clinical testing. Allele origin: germline.
Comment: The p.D2093N variant (also known as c.6277G>A), located in coding exon 38 of the FLNC gene, results from a G to A substitution at nucleotide position 6277. The aspartic acid at codon 2093 is replaced by asparagine, an amino acid with highly similar properties. This amino acid position is conserved. In addition, the in silico prediction for this alteration is inconclusive. Based on the available evidence, the clinical significance of this variant remains unclear.

CeGaT Center for Human Genetics Tuebingen
Classification: Uncertain significance. Last evaluated: 2025-01-01. Review status: criteria provided, single submitter. Criteria: CeGaT Center For Human Genetics Tuebingen Variant Classification Criteria Version 2. Collection method: clinical testing. Allele origin: germline. Affected: yes. Observed: 1 variant allele.
Comment: FLNC: PM2, PP3

Labcorp Genetics (formerly Invitae), Labcorp
Classification: Uncertain significance for Distal myopathy with posterior leg and anterior hand involvement; Myofibrillar myopathy 5; Hypertrophic cardiomyopathy 26. Last evaluated: 2024-01-09. Review status: criteria provided, single submitter. Criteria: Invitae Variant Classification Sherloc (09022015). Collection method: clinical testing. Allele origin: germline.
Comment: This sequence change replaces aspartic acid, which is acidic and polar, with asparagine, which is neutral and polar, at codon 2093 of the FLNC protein (p.Asp2093Asn). This variant is not present in population databases (gnomAD no frequency). This variant has not been reported in the literature in individuals affected with FLNC-related conditions. Advanced modeling of protein sequence and biophysical properties (such as structural, functional, and spatial information, amino acid conservation, physicochemical variation, residue mobility, and thermodynamic stability) has been performed at Invitae for this missense variant, however the output from this modeling did not meet the statistical confidence thresholds required to predict the impact of this variant on FLNC protein function. In summary, the available evidence is currently insufficient to determine the role of this variant in disease. Therefore, it has been classified as a Variant of Uncertain Significance.

NM_001458.5(FLNC):c.6277G>A (p.Asp2093Asn)

Genes: FLNC (filamin C; plus strand), FLNC-AS1 (FLNC antisense RNA 1; minus strand). Cytogenetic location: 7q32.1.
Variant type: single nucleotide variant.
Coding change: c.6277G>A on transcript NM_001458.5 (MANE Select); coding-DNA position 6277, G replaced by A.
Protein change: p.Asp2093Asn; replaces aspartic acid 2093 with asparagine.
Molecular consequence: missense variant.
Genome position (GRCh38, 1-based): chr7:128,853,537, G>A. VCF-style: chr7-128853537-G-A. GRCh37 (hg19) VCF-style: chr7-128493591-G-A.
Other names: c.6178G>A, p.Asp2060Asn (NM_001127487.2); short protein forms D2093N, D2060N.
Identifiers: ClinVar variation 2938313 (VCV002938313.16), dbSNP rs1563002911, ClinGen allele CA369211999.